The following is an entry in ClinVar:

NM_000540.3(RYR1):c.5340_5341del (p.Cys1781fs)

Gene: RYR1 (ryanodine receptor 1; plus strand). Cytogenetic location: 19q13.2.
Variant type: Deletion.
Coding change: c.5340_5341del on transcript NM_000540.3 (MANE Select); coding-DNA positions 5340 to 5341, 2 bases deleted (CT; older notation c.5340_5341delCT).
Protein change: p.Cys1781fs; shifts the reading frame from cysteine 1781.
Molecular consequence: frameshift variant.
Genome position (GRCh38, 1-based): chr19:38,485,995-38,485,996, CT deleted. VCF-style (leftmost placement, unchanged base first): chr19-38485994-CCT-C. GRCh37 (hg19) VCF-style: chr19-38976634-CCT-C.
Other names: c.5340_5341del, p.Cys1781fs (NM_001042723.2); c.5340_5341delCT (NM_000540.2, NM_000540.3); short protein forms C1781fs.
Identifiers: ClinVar variation 422691 (VCV000422691.60), dbSNP rs779723153, ClinGen allele CA9415809.
Genomic context (GRCh38, chr19:38,485,994, plus strand): 5'-ATGGCCTGCCGGGAGTTGGAGTCACCACTTCGCTGAGGCCCCCGCATCATTTCTCGCCCC[CCT>C]GTTTCGTGGCCGCTCTGCCAGCTGCTGGGGCAGCAGAGGCCCCGGCCCGCCTCAGCCCTG-3'

ClinVar aggregate classification (germline): Pathogenic/Likely pathogenic. Review status: criteria provided, multiple submitters, no conflicts (2 of 4 stars). 8 submissions from 8 submitters: Pathogenic (4); Likely pathogenic (3). 1 of the submissions does not count toward it. Last evaluated 2026-04-08.

Conditions:
Malignant hyperthermia, susceptibility to, 1 (MHS1). Also called: Malignant hyperthermia suceptibility 1; RYR1-Related Malignant Hyperthermia Susceptibility; Anesthesia related hyperthermia; Malignant hyperpyrexia; Fulminating hyperpyrexia; Pharmacogenic myopathy. Identifiers: Orphanet 423, MedGen C2930980, MONDO:0007783, OMIM 145600.
King Denborough syndrome (KDS). Identifiers: MedGen C1840365, MONDO:0020485, OMIM 619542.
Central core myopathy (CMYO1A). Also called: CONGENITAL MYOPATHY 1A, AUTOSOMAL DOMINANT, WITH SUSCEPTIBILITY TO MALIGNANT HYPERTHERMIA; Central core disease; Myopathy, central fibrillar. Identifiers: Orphanet 597, MedGen C5830701, MONDO:0007294, OMIM 117000.
Congenital multicore myopathy with external ophthalmoplegia (CMYO1B). Also called: MULTIMINICORE DISEASE WITH EXTERNAL OPHTHALMOPLEGIA; Congenital myopathy 1B, autosomal recessive; Minicore myopathy; MULTICORE MYOPATHY; Minicore myopathy with external ophthalmoplegia. Identifiers: Orphanet 598, Orphanet 98905, MedGen C1850674, MONDO:0009712, OMIM 255320, HP:0003789.
Congenital myopathy with fiber type disproportion. Also called: Congenital fiber-type disproportion; Congenital fiber-type disproportion myopathy. Identifiers: Orphanet 2020, MedGen C0546264, MONDO:0009711. Inheritance: all.
RYR1-related disorder. Also called: RYR1-related disorders; RYR1-related condition. Identifiers: MedGen CN239331.

Allele frequency attached by ClinVar (database versions not stated): ExAC 0.00001; gnomAD exomes 0.00001; gnomAD 0.00003 and 0.00004; TOPMed 0.00004.

Submissions (8):

Women's Health and Genetics/Laboratory Corporation of America, LabCorp
Classification: Pathogenic for Congenital multicore myopathy with external ophthalmoplegia. Last evaluated: 2026-04-08. Review status: criteria provided, single submitter. Criteria: LabCorp Variant Classification Summary - May 2015. Collection method: clinical testing. Allele origin: germline.
Comment: Variant summary: RYR1 c.5340_5341delCT (p.Cys1781PhefsX76) results in a premature termination codon, predicted to cause absence of the protein due to nonsense mediated decay, which is a commonly known mechanism for disease. The variant allele was found at a frequency of 8.2e-06 in 244864 control chromosomes (gnomAD). To our knowledge, no occurrence of c.5340_5341delCT in individuals affected with RYR1-related conditions and no experimental evidence demonstrating its impact on protein function have been reported. ClinVar contains an entry for this variant (Variation ID: 422691). Based on the evidence outlined above, the variant was classified as pathogenic for Congenital multicore myopathy with external ophthalmoplegia.

Labcorp Genetics (formerly Invitae), Labcorp
Classification: Pathogenic for RYR1-related disorder. Last evaluated: 2025-11-03. Review status: criteria provided, single submitter. Criteria: Invitae Variant Classification Sherloc (09022015). Collection method: clinical testing. Allele origin: germline.
Comment: This sequence change creates a premature translational stop signal (p.Cys1781Phefs*76) in the RYR1 gene. It is expected to result in an absent or disrupted protein product. Loss-of-function variants in RYR1 are known to be pathogenic (PMID: 23919265, 25960145, 28818389, 30611313). This variant is present in population databases (rs779723153, gnomAD 0.01%). This variant has not been reported in the literature in individuals affected with RYR1-related conditions. ClinVar contains an entry for this variant (Variation ID: 422691). For these reasons, this variant has been classified as Pathogenic.

PreventionGenetics, part of Exact Sciences
Classification: Likely pathogenic for RYR1-related condition. Last evaluated: 2025-10-08. Review status: criteria provided, single submitter. Criteria: ACMG Guidelines, 2015. Collection method: clinical testing. Allele origin: germline.
Comment: The RYR1 c.5340_5341delCT variant is predicted to result in a frameshift and premature protein termination (p.Cys1781Phefs*76). To our knowledge, this variant has not been reported in the literature. This variant is reported in 0.012% of alleles in individuals of African descent in gnomAD. Frameshift variants in RYR1 are expected to be pathogenic for autosomal recessive RYR1-related myopathies. To our knowledge, protein truncating variants have not been reported to cause malignant hyperthermia susceptibility. This variant is interpreted as likely pathogenic for autosomal recessive RYR1-related disorders, but uncertain in the context of autosomal dominant RYR1-related disorders.

GeneDx
Classification: Pathogenic. Last evaluated: 2024-08-17. Review status: criteria provided, single submitter. Criteria: GeneDx Variant Classification Process June 2021. Collection method: clinical testing. Allele origin: germline. Affected: yes.
Comment: Frameshift variant predicted to result in protein truncation or nonsense mediated decay in a gene for which loss-of-function is a known mechanism of disease; Not observed at significant frequency in large population cohorts (gnomAD); Has not been previously published as pathogenic or benign to our knowledge

Revvity Omics, Revvity
Classification: Pathogenic. Last evaluated: 2022-04-21. Review status: criteria provided, single submitter. Criteria: ACMG Guidelines, 2015. Collection method: clinical testing. Allele origin: germline.

Fulgent Genetics
Classification: Likely pathogenic for Central core myopathy; Malignant hyperthermia, susceptibility to, 1; Congenital myopathy 4A, autosomal dominant; Congenital multicore myopathy with external ophthalmoplegia; King Denborough syndrome. Last evaluated: 2021-09-09. Review status: criteria provided, single submitter. Criteria: ACMG Guidelines, 2015. Collection method: clinical testing. Allele origin: unknown.

CeGaT Center for Human Genetics Tuebingen
Classification: Likely pathogenic. Last evaluated: 2019-04-01. Review status: criteria provided, single submitter. Criteria: CeGaT Center For Human Genetics Tuebingen Variant Classification Criteria Version 2. Collection method: clinical testing. Allele origin: germline. Affected: yes. Observed: 3 variant alleles.

All of Us Research Program, National Institutes of Health
Classification: Uncertain significance for Malignant hyperthermia, susceptibility to, 1. Last evaluated: 2024-05-30. Review status: flagged submission. Criteria: ACMG Guidelines, 2015. Collection method: clinical testing. Allele origin: germline. Inheritance: Autosomal dominant inheritance. Observed: 4 variant alleles, 4 heterozygotes. Not counted in ClinVar's aggregate classification.
Comment: This variant deletes 2 nucleotides in exon 34 of the RYR1 gene, creating a frameshift and premature translation stop signal. This variant is expected to result in an absent or non-functional protein product. This variant has not been reported in individuals affected with autosomal dominant malignant hyperthermia susceptibility in the literature, although it is associated with other phenotype(s) (ClinVar variation ID: 422691). This variant has been identified in 3/276212 chromosomes in the general population by the Genome Aggregation Database (gnomAD). Loss of RYR1 function due to truncation variants is not an established disease mechanism for autosomal dominant malignant hyperthermia susceptibility. Due to insufficient evidence, this variant is classified as a Variant of Uncertain Significance for malignant hyperthermia susceptibility.

This study involves interpretation of variants in research participants for the purpose of population health screening. Participant phenotype was not available at the time of variant classification. Additional details can be found in publication PMID: 35346344, PMCID: PMC8962531
ClinVar note: Reason: Outlier claim with insufficient supporting evidence

Literature cited by the submitters: PubMed 23919265 (cited by Labcorp Genetics (formerly Invitae), Labcorp); PubMed 25960145 (cited by Labcorp Genetics (formerly Invitae), Labcorp); PubMed 28818389 (cited by Labcorp Genetics (formerly Invitae), Labcorp); PubMed 30611313 (cited by Labcorp Genetics (formerly Invitae), Labcorp).